The following is an entry in ClinVar:

NM_014991.6(WDFY3):c.839T>G (p.Val280Gly)

Gene: WDFY3 (WD repeat and FYVE domain containing 3; minus strand). Cytogenetic location: 4q21.23.
Variant type: single nucleotide variant.
Coding change: c.839T>G on transcript NM_014991.6 (MANE Select); coding-DNA position 839, T replaced by G.
Protein change: p.Val280Gly; replaces valine 280 with glycine.
Molecular consequence: missense variant.
Genome position (GRCh38, 1-based): chr4:84,829,121, A>C on the plus strand (T>G on the coding strand, the complement: WDFY3 is on the minus strand). VCF-style: chr4-84829121-A-C. GRCh37 (hg19) VCF-style: chr4-85750274-A-C.
Other names: short protein forms V280G.
Identifiers: ClinVar variation 1309950 (VCV001309950.3), dbSNP rs2149898717, ClinGen allele CA357540733.
Genomic context (GRCh38, chr4:84,829,121, plus strand): 5'-AGTGTTTGGGAAACATCGCTGGAATCTTTGAGGAAACAAGAAAGCCCAGCAAACATTTCG[A>C]CAATTTCTAGGGGAGACAGGTCATCTGATTGCTGCATATTCTGAACACATGTAGATAAAC-3'
Protein context (NP_055806.2, residues 270-290): QSDDLSPLEI[Val280Gly]EMFAGLSCFL

ClinVar aggregate classification (germline): Uncertain significance (1 of 4 stars; one submission).

Submission:

GeneDx
Classification: Uncertain significance. Last evaluated: 2024-12-06. Review status: criteria provided, single submitter. Criteria: GeneDx Variant Classification Process June 2021. Collection method: clinical testing. Allele origin: germline. Affected: yes.
Comment: Not observed at significant frequency in large population cohorts (gnomAD); In silico analysis supports that this missense variant has a deleterious effect on protein structure/function; Has not been previously published as pathogenic or benign to our knowledge